The following is an entry in ClinVar:

NM_005033.3(EXOSC9):c.738+5G>C

Gene: EXOSC9 (exosome component 9; plus strand). Cytogenetic location: 4q27.
Variant type: single nucleotide variant.
Coding change: c.738+5G>C on transcript NM_005033.3 (MANE Select); 5 bases into the intron after coding-DNA position 738, G replaced by C.
Molecular consequence: intron variant.
Genome position (GRCh38, 1-based): chr4:121,810,104, G>C. VCF-style: chr4-121810104-G-C. GRCh37 (hg19) VCF-style: chr4-122731259-G-C.
Other names: c.738+5G>C (NM_001034194.2).
Identifiers: ClinVar variation 3900585 (VCV003900585.1).
Genomic context (GRCh38, chr4:121,810,104, plus strand): 5'-ATCGAGAGATTTGTACTATCCAGTCCAGTGGTGGGATAATGCTACTAAAAGATCAAGTTA[G>C]TGCTTTGATTAATGTCCCATTAATAATAGGTTGCTTCTCTTTAGATGCTTTTTCTTGTCT-3'

ClinVar aggregate classification (germline): Uncertain significance (1 of 4 stars; one submission).

Submission:

GeneDx
Classification: Uncertain significance. Last evaluated: 2024-11-21. Review status: criteria provided, single submitter. Criteria: GeneDx Variant Classification Process June 2021. Collection method: clinical testing. Allele origin: germline. Affected: yes.
Comment: Not observed at significant frequency in large population cohorts (gnomAD); In silico analysis supports a deleterious effect on splicing; Has not been previously published as pathogenic or benign to our knowledge